The following is an entry in ClinVar:

ClinVar aggregate classification (germline): Conflicting classifications of pathogenicity. Review status: criteria provided, conflicting classifications (1 of 4 stars). 8 submissions from 7 submitters: Uncertain significance (2); Benign (1); Likely benign (5). Last evaluated 2026-01-26.

Conditions:
Gorlin syndrome. Also called: Basal cell nevus syndrome; Nevoid Basal Cell Carcinoma Syndrome. Identifiers: Orphanet 377, MedGen C0004779, MONDO:0007187.
Hereditary cancer-predisposing syndrome. Also called: Tumor predisposition; Neoplastic Syndromes, Hereditary; Hereditary Cancer Syndrome; Hereditary neoplastic syndrome. Identifiers: Orphanet 140162, MedGen C0027672, MeSH D009386, MONDO:0015356.
Holoprosencephaly 7 (HPE7). Identifiers: Orphanet 2162, MedGen C1835820, MONDO:0012562, OMIM 610828.

Allele frequency attached by ClinVar (database versions not stated): TOPMed 0.00003; gnomAD 0.00025.
gnomAD v4.1: 121 of 1,611,462 alleles (0.0075%); highest among the groups gnomAD compares: Admixed American, 0.012%; no homozygotes.

Submissions (8):

Labcorp Genetics (formerly Invitae), Labcorp
Classification: Likely benign for Gorlin syndrome. Last evaluated: 2026-01-26. Review status: criteria provided, single submitter. Criteria: Invitae Variant Classification Sherloc (09022015). Collection method: clinical testing. Allele origin: germline.

Quest Diagnostics Nichols Institute San Juan Capistrano
Classification: Likely benign. Last evaluated: 2025-03-08. Review status: criteria provided, single submitter. Criteria: Quest Diagnostics criteria. Collection method: clinical testing. Allele origin: unknown.

Blueprint Genetics
Classification: Likely benign. Last evaluated: 2024-09-25. Review status: criteria provided, single submitter. Criteria: ACMG Guidelines, 2015. Collection method: clinical testing. Allele origin: germline.

Institute for Clinical Genetics, University Hospital TU Dresden, University Hospital TU Dresden
Classification: Uncertain significance. Last evaluated: 2021-11-03. Review status: criteria provided, single submitter. Criteria: ACMG Guidelines, 2015. Collection method: clinical testing. Allele origin: germline.

Ambry Genetics
Classification: Benign for Hereditary cancer-predisposing syndrome. Last evaluated: 2020-12-07. Review status: criteria provided, single submitter. Criteria: Ambry Variant Classification Scheme 2023. Collection method: clinical testing. Allele origin: germline.

Mendelics
Classification: Uncertain significance for Basal cell nevus syndrome 1. Last evaluated: 2019-05-28. Review status: criteria provided, single submitter. Criteria: Mendelics Assertion Criteria 2017. Collection method: clinical testing. Allele origin: unknown.

Illumina Laboratory Services, Illumina
Classification: Likely benign for Holoprosencephaly 7. Last evaluated: 2018-01-12. Review status: criteria provided, single submitter. Criteria: ICSL Variant Classification Criteria 13 December 2019. Collection method: clinical testing. Allele origin: germline.
Comment: This variant was observed in the ICSL laboratory as part of a predisposition screen in an ostensibly healthy population. It had not been previously curated by ICSL or reported in the Human Gene Mutation Database (HGMD: prior to June 1st, 2018), and was therefore a candidate for classification through an automated scoring system. Utilizing variant allele frequency, disease prevalence and penetrance estimates, and inheritance mode, an automated score was calculated to assess if this variant is too frequent to cause the disease. Based on the score and internal cut-off values, a variant classified as likely benign is not then subjected to further curation. The score for this variant resulted in a classification of likely benign for this disease.

Illumina Laboratory Services, Illumina
Classification: Likely benign for Basal cell nevus syndrome 1. Last evaluated: 2018-01-12. Review status: criteria provided, single submitter. Criteria: ICSL Variant Classification Criteria 13 December 2019. Collection method: clinical testing. Allele origin: germline.
Comment: the same text as in the submission from Illumina Laboratory Services, Illumina above.

NM_000264.5(PTCH1):c.4033C>T (p.Arg1345Cys)

Gene: PTCH1 (patched 1; minus strand). Cytogenetic location: 9q22.32.
Variant type: single nucleotide variant.
Coding change: c.4033C>T on transcript NM_000264.5 (MANE Select); coding-DNA position 4033, C replaced by T.
Protein change: p.Arg1345Cys; replaces arginine 1345 with cysteine.
Molecular consequence: missense variant. On other transcripts: non-coding transcript variant (1).
Genome position (GRCh38, 1-based): chr9:95,447,223, G>A on the plus strand (C>T on the coding strand, the complement: PTCH1 is on the minus strand). VCF-style: chr9-95447223-G-A. GRCh37 (hg19) VCF-style: chr9-98209505-G-A.
Other names: c.3835C>T, p.Arg1279Cys (NM_001083602.3); c.4030C>T, p.Arg1344Cys (NM_001083603.3); c.3580C>T, p.Arg1194Cys (NM_001083604.3, NM_001083605.3, NM_001083606.3 and 1 more transcripts); c.3877C>T, p.Arg1293Cys (NM_001354918.2); c.4033C>T (NM_000264.4); short protein forms R1279C, R1345C, R1194C, R1344C, R1293C.
Identifiers: ClinVar variation 367664 (VCV000367664.26), dbSNP rs556901417, ClinGen allele CA5137972.